The following is an entry in ClinVar:

NM_000257.4(MYH7):c.2777_2779del (p.Leu926_Glu927delinsGln)

Gene: MYH7 (myosin heavy chain 7; minus strand). Cytogenetic location: 14q11.2.
Variant type: Deletion.
Coding change: c.2777_2779del on transcript NM_000257.4 (MANE Select); coding-DNA positions 2777 to 2779, 3 bases deleted (TGG; older notation c.2777_2779delTGG).
Protein change: p.Leu926_Glu927delinsGln.
Molecular consequence: inframe indel.
Genome position (GRCh38, 1-based): chr14:23,424,050-23,424,052, CCA deleted on the plus strand (TGG on the coding strand, the reverse complement: MYH7 is on the minus strand). VCF-style (leftmost placement, unchanged base first): chr14-23424049-TCCA-T. GRCh37 (hg19) VCF-style: chr14-23893258-TCCA-T.
Other names: c.2777_2779delTGG, p.Leu926_Glu927delinsGln (NM_001407004.1).
Identifiers: ClinVar variation 2030547 (VCV002030547.4), dbSNP rs2502279877, ClinGen allele CA2580087896.

ClinVar aggregate classification (germline): Uncertain significance (1 of 4 stars; one submission).

Conditions:
Hypertrophic cardiomyopathy. Also called: HYPERTROPHIC MYOCARDIOPATHY. Identifiers: Orphanet 217569, MedGen C0007194, MeSH D002312, MONDO:0005045, HP:0001639.

Submission:

Labcorp Genetics (formerly Invitae), Labcorp
Classification: Uncertain significance for Hypertrophic cardiomyopathy. Last evaluated: 2022-09-14. Review status: criteria provided, single submitter. Criteria: Invitae Variant Classification Sherloc (09022015). Collection method: clinical testing. Allele origin: germline.
Comment: This variant, c.2777_2779del, results in the deletion of 2 and insertion of 1 amino acid(s) of the MYH7 protein (p.Leu926_Glu927delinsGln), but otherwise preserves the integrity of the reading frame. This variant is not present in population databases (gnomAD no frequency). This variant has not been reported in the literature in individuals affected with MYH7-related conditions. Experimental studies and prediction algorithms are not available or were not evaluated, and the functional significance of this variant is currently unknown. In summary, the available evidence is currently insufficient to determine the role of this variant in disease. Therefore, it has been classified as a Variant of Uncertain Significance.